The following is an entry in ClinVar:

NM_006767.4(LZTR1):c.1615G>T (p.Gly539Cys)

Gene: LZTR1 (leucine zipper like post translational regulator 1; plus strand). Cytogenetic location: 22q11.21.
Variant type: single nucleotide variant.
Coding change: c.1615G>T on transcript NM_006767.4 (MANE Select); coding-DNA position 1615, G replaced by T.
Protein change: p.Gly539Cys; replaces glycine 539 with cysteine.
Molecular consequence: missense variant.
Genome position (GRCh38, 1-based): chr22:20,994,269, G>T. VCF-style: chr22-20994269-G-T. GRCh37 (hg19) VCF-style: chr22-21348558-G-T.
Other names: c.1615G>T (NM_006767.3); short protein forms G539C.
Identifiers: ClinVar variation 2894665 (VCV002894665.4), dbSNP rs1232362523, ClinGen allele CA410776292.

ClinVar aggregate classification (germline): Uncertain significance. Review status: criteria provided, multiple submitters, no conflicts (2 of 4 stars). 2 submissions from 2 submitters: Uncertain significance (2). Last evaluated 2025-06-18.

Conditions:
Cardiovascular phenotype. Identifiers: MedGen CN230736.
Hereditary cancer-predisposing syndrome. Also called: Neoplastic Syndromes, Hereditary; Hereditary neoplastic syndrome; Tumor predisposition; Hereditary Cancer Syndrome. Identifiers: Orphanet 140162, MedGen C0027672, MeSH D009386, MONDO:0015356.

gnomAD v4.1: 5 of 1,597,398 alleles (0.00031%); highest among the groups gnomAD compares: Non-Finnish European, 0.00042%; no homozygotes.

Submissions (2):

Labcorp Genetics (formerly Invitae), Labcorp
Classification: Uncertain significance. Last evaluated: 2025-06-18. Review status: criteria provided, single submitter. Criteria: Invitae Variant Classification Sherloc (09022015). Collection method: clinical testing. Allele origin: germline.
Comment: This sequence change replaces glycine, which is neutral and non-polar, with cysteine, which is neutral and slightly polar, at codon 539 of the LZTR1 protein (p.Gly539Cys). This variant also falls at the last nucleotide of exon 14, which is part of the consensus splice site for this exon. This variant is not present in population databases (gnomAD no frequency). This variant has not been reported in the literature in individuals affected with LZTR1-related conditions. ClinVar contains an entry for this variant (Variation ID: 2894665). An algorithm developed to predict the effect of missense changes on protein structure and function (PolyPhen-2) suggests that this variant is likely to be disruptive. Variants that disrupt the consensus splice site are a relatively common cause of aberrant splicing (PMID: 17576681, 9536098). Algorithms developed to predict the effect of sequence changes on RNA splicing suggest that this variant may disrupt the consensus splice site. In summary, the available evidence is currently insufficient to determine the role of this variant in disease. Therefore, it has been classified as a Variant of Uncertain Significance.

Ambry Genetics
Classification: Uncertain significance for Cardiovascular phenotype; Hereditary cancer-predisposing syndrome. Last evaluated: 2024-03-14. Review status: criteria provided, single submitter. Criteria: Ambry Variant Classification Scheme 2023. Collection method: clinical testing. Allele origin: germline.
Comment: The p.G539C variant (also known as c.1615G>T), located in coding exon 14 of the LZTR1 gene, results from a G to T substitution at nucleotide position 1615. The glycine at codon 539 is replaced by cysteine, an amino acid with highly dissimilar properties. However, this change occurs in the last base pair of coding exon 14, which makes it likely to have some effect on normal mRNA splicing. This nucleotide position is highly conserved in available vertebrate species. This amino acid position is highly conserved in available vertebrate species. In silico splice site analysis predicts that this alteration will weaken the native splice donor site and will result in the creation or strengthening of a novel splice donor site; however, direct evidence is insufficient at this time (Ambry internal data). In addition, as a missense substitution, the in silico prediction for this alteration is inconclusive. Based on the available evidence, the clinical significance of this alteration remains unclear.

Literature cited by the submitters: PubMed 17576681 (cited by Labcorp Genetics (formerly Invitae), Labcorp); PubMed 9536098 (cited by Labcorp Genetics (formerly Invitae), Labcorp).